The following is an entry in ClinVar:

ClinVar aggregate classification (germline): Uncertain significance (1 of 4 stars; one submission).

Conditions:
Cowden syndrome (CS). Also called: Cowden's disease; Cowden's syndrome; Cowden disease. Identifiers: Orphanet 201, MedGen C0018553, MONDO:0016063. Disease mechanism: gain of function.

Allele frequency attached by ClinVar (database versions not stated): gnomAD exomes below 0.00001; ExAC 0.00001.
gnomAD v4.1: 4 of 1,609,418 alleles (0.00025%); highest among the groups gnomAD compares: Middle Eastern, 0.033%; no homozygotes.

Submission:

Labcorp Genetics (formerly Invitae), Labcorp
Classification: Uncertain significance for Cowden syndrome. Last evaluated: 2022-07-09. Review status: criteria provided, single submitter. Criteria: Invitae Variant Classification Sherloc (09022015). Collection method: clinical testing. Allele origin: germline.
Comment: This sequence change affects codon 941 of the PIK3CA mRNA. It is a 'silent' change, meaning that it does not change the encoded amino acid sequence of the PIK3CA protein. In summary, the available evidence is currently insufficient to determine the role of this variant in disease. Therefore, it has been classified as a Variant of Uncertain Significance. Algorithms developed to predict the effect of sequence changes on RNA splicing suggest that this variant may disrupt the consensus splice site. This variant has not been reported in the literature in individuals affected with PIK3CA-related conditions. This variant is present in population databases (rs749961927, gnomAD 0.0009%).

NM_006218.4(PIK3CA):c.2823G>A (p.Lys941=)

Gene: PIK3CA (phosphatidylinositol-4,5-bisphosphate 3-kinase catalytic subunit alpha; plus strand). Cytogenetic location: 3q26.32.
Variant type: single nucleotide variant.
Coding change: c.2823G>A on transcript NM_006218.4 (MANE Select); coding-DNA position 2823, G replaced by A.
Protein change: p.Lys941=; no amino-acid change (lysine 941 retained).
Molecular consequence: synonymous variant.
Genome position (GRCh38, 1-based): chr3:179,230,263, G>A. VCF-style: chr3-179230263-G-A. GRCh37 (hg19) VCF-style: chr3-178948051-G-A.
Identifiers: ClinVar variation 2182413 (VCV002182413.4), dbSNP rs749961927, ClinGen allele CA2711020.